The following is an entry in ClinVar:

NM_018060.4(IARS2):c.288_289del (p.Tyr97fs)

Gene: IARS2 (isoleucyl-tRNA synthetase 2, mitochondrial; plus strand). Cytogenetic location: 1q41.
Variant type: Deletion.
Coding change: c.288_289del on transcript NM_018060.4 (MANE Select); coding-DNA positions 288 to 289, 2 bases deleted (TT; older notation c.288_289delTT).
Protein change: p.Tyr97fs; shifts the reading frame from tyrosine 97.
Molecular consequence: frameshift variant.
Genome position (GRCh38, 1-based): chr1:220,096,124-220,096,125, TT deleted; deleting any 2 consecutive bases within chr1:220,096,123-220,096,125 gives the same sequence; the c. name uses the placement nearest the transcript's 3' end. VCF-style (leftmost placement, unchanged base first): chr1-220096122-CTT-C. GRCh37 (hg19) VCF-style: chr1-220269464-CTT-C.
Other names: short protein forms Y97fs.
Identifiers: ClinVar variation 1925086 (VCV001925086.5), dbSNP rs1185448032, ClinGen allele CA529060307.

ClinVar aggregate classification (germline): Pathogenic (1 of 4 stars; one submission).

Submission:

Labcorp Genetics (formerly Invitae), Labcorp
Classification: Pathogenic. Last evaluated: 2024-07-27. Review status: criteria provided, single submitter. Criteria: Invitae Variant Classification Sherloc (09022015). Collection method: clinical testing. Allele origin: germline.
Comment: This sequence change creates a premature translational stop signal (p.Tyr97Phefs*16) in the IARS2 gene. It is expected to result in an absent or disrupted protein product. Loss-of-function variants in IARS2 are known to be pathogenic (PMID: 33327715). The frequency data for this variant in the population databases is considered unreliable, as metrics indicate poor data quality at this position in the gnomAD database. This variant has not been reported in the literature in individuals affected with IARS2-related conditions. ClinVar contains an entry for this variant (Variation ID: 1925086). For these reasons, this variant has been classified as Pathogenic.

Literature cited by the submitters: PubMed 33327715.